The following is an entry in ClinVar:

NM_006939.4(SOS2):c.304C>T (p.Pro102Ser)

Gene: SOS2 (SOS Ras/Rho guanine nucleotide exchange factor 2; minus strand). Cytogenetic location: 14q21.3.
Variant type: single nucleotide variant.
Coding change: c.304C>T on transcript NM_006939.4 (MANE Select); coding-DNA position 304, C replaced by T.
Protein change: p.Pro102Ser; replaces proline 102 with serine.
Molecular consequence: missense variant.
Genome position (GRCh38, 1-based): chr14:50,200,994, G>A on the plus strand (C>T on the coding strand, the complement: SOS2 is on the minus strand). VCF-style: chr14-50200994-G-A. GRCh37 (hg19) VCF-style: chr14-50667712-G-A.
Other names: short protein forms P102S.
Identifiers: ClinVar variation 1485702 (VCV001485702.8), dbSNP rs2139783538, ClinGen allele CA389649960.

ClinVar aggregate classification (germline): Uncertain significance (1 of 4 stars; one submission).

Conditions:
Noonan syndrome 9 (NS9). Identifiers: Orphanet 648, MedGen C4225282, MONDO:0014691, OMIM 616559.

Allele frequency attached by ClinVar (database versions not stated): gnomAD exomes below 0.00001.

Submission:

Labcorp Genetics (formerly Invitae), Labcorp
Classification: Uncertain significance for Noonan syndrome 9. Last evaluated: 2021-04-24. Review status: criteria provided, single submitter. Criteria: Invitae Variant Classification Sherloc (09022015). Collection method: clinical testing. Allele origin: germline.
Comment: This variant has not been reported in the literature in individuals with SOS2-related conditions. This variant is not present in population databases (ExAC no frequency). This sequence change replaces proline with serine at codon 102 of the SOS2 protein (p.Pro102Ser). The proline residue is moderately conserved and there is a moderate physicochemical difference between proline and serine. Algorithms developed to predict the effect of missense changes on protein structure and function are either unavailable or do not agree on the potential impact of this missense change (SIFT: "Tolerated"; PolyPhen-2: "Possibly Damaging"; Align-GVGD: "Class C0"). In summary, the available evidence is currently insufficient to determine the role of this variant in disease. Therefore, it has been classified as a Variant of Uncertain Significance.